The following is an entry in ClinVar:

NM_030632.3(ASXL3):c.5842T>C (p.Leu1948=)

Gene: ASXL3 (ASXL transcriptional regulator 3; plus strand). Cytogenetic location: 18q12.1.
Variant type: single nucleotide variant.
Coding change: c.5842T>C on transcript NM_030632.3 (MANE Select); coding-DNA position 5842, T replaced by C.
Protein change: p.Leu1948=; no amino-acid change (leucine 1948 retained).
Molecular consequence: synonymous variant.
Genome position (GRCh38, 1-based): chr18:33,745,690, T>C. VCF-style: chr18-33745690-T-C. GRCh37 (hg19) VCF-style: chr18-31325654-T-C.
Identifiers: ClinVar variation 4084952 (VCV004084952.8).

ClinVar aggregate classification (germline): Likely benign (1 of 4 stars; one submission).

gnomAD v4.1: 35 of 1,613,900 alleles (0.0022%); highest among the groups gnomAD compares: Non-Finnish European, 0.003%; no homozygotes.

Submission:

CeGaT Center for Human Genetics Tuebingen
Classification: Likely benign. Last evaluated: 2025-07-01. Review status: criteria provided, single submitter. Criteria: CeGaT Center For Human Genetics Tuebingen Variant Classification Criteria Version 2. Collection method: clinical testing. Allele origin: germline. Affected: yes. Observed: 1 variant allele.
Comment: ASXL3: BP4, BP7